The following is an entry in ClinVar:

NM_006031.6(PCNT):c.3235C>T (p.Gln1079Ter)

Gene: PCNT (pericentrin; plus strand). Cytogenetic location: 21q22.3.
Variant type: single nucleotide variant.
Coding change: c.3235C>T on transcript NM_006031.6 (MANE Select); coding-DNA position 3235, C replaced by T.
Protein change: p.Gln1079Ter; replaces glutamine 1079 with a stop codon.
Molecular consequence: nonsense.
Genome position (GRCh38, 1-based): chr21:46,381,763, C>T. VCF-style: chr21-46381763-C-T. GRCh37 (hg19) VCF-style: chr21-47801678-C-T.
Other names: c.2881C>T, p.Gln961Ter (NM_001315529.2); short protein forms Q1079*, Q961*.
Identifiers: ClinVar variation 4991150 (VCV004991150.1).
Genomic context (GRCh38, chr21:46,381,763, plus strand): 5'-GGAAGTGAAAAGAAAACTGCTTTGCATGAAAAAGAGGAGACACTTCGGCTTCAGAGTGCA[C>T]AGGCACAGCCTTTTCACCAAGAGGAGAAAGAGTCTTTGTCTCTGCAGCTTCAAAAGAAGA-3'

ClinVar aggregate classification (germline): Likely pathogenic (1 of 4 stars; one submission).

Conditions:
PCNT-related disorder. Also called: PCNT-related condition.

Submission:

PreventionGenetics, part of Exact Sciences
Classification: Likely pathogenic for PCNT-related condition. Last evaluated: 2025-08-20. Review status: criteria provided, single submitter. Criteria: ACMG Guidelines, 2015. Collection method: clinical testing. Allele origin: germline.
Comment: The PCNT c.3235C>T variant is predicted to result in premature protein termination (p.Gln1079*). To our knowledge, this variant has not been reported in the literature or in a large population database (gnomAD), indicating this variant is rare. Nonsense variants in PCNT are expected to be pathogenic. This variant is interpreted as likely pathogenic.